The following is an entry in ClinVar:

NM_016734.3(PAX5):c.371G>A (p.Cys124Tyr)

Gene: PAX5 (paired box 5; minus strand). Cytogenetic location: 9p13.2.
Variant type: single nucleotide variant.
Coding change: c.371G>A on transcript NM_016734.3 (MANE Select); coding-DNA position 371, G replaced by A.
Protein change: p.Cys124Tyr; replaces cysteine 124 with tyrosine.
Molecular consequence: missense variant. On other transcripts: non-coding transcript variant (2), intron variant (1).
Genome position (GRCh38, 1-based): chr9:37,015,036, C>T on the plus strand (G>A on the coding strand, the complement: PAX5 is on the minus strand). VCF-style: chr9-37015036-C-T. GRCh37 (hg19) VCF-style: chr9-37015033-C-T.
Other names: c.371G>A, p.Cys124Tyr (NM_001280547.2, NM_001280548.2, NM_001280549.2 and 4 more transcripts); c.47G>A, p.Cys16Tyr (NM_001280551.2, NM_001280556.2); c.212+5600G>A (NM_001280555.2); short protein forms C124Y, C16Y.
Identifiers: ClinVar variation 4825465 (VCV004825465.1).

ClinVar aggregate classification (germline): Uncertain significance (1 of 4 stars; one submission).

Conditions:
Inborn genetic diseases. Identifiers: MedGen C0950123, MeSH D030342.

Submission:

Ambry Genetics
Classification: Uncertain significance for Inborn genetic diseases. Last evaluated: 2026-01-25. Review status: criteria provided, single submitter. Criteria: Ambry Variant Classification Scheme 2023. Collection method: clinical testing. Allele origin: germline.
Comment: The p.C124Y variant (also known as c.371G>A), located in coding exon 3 of the PAX5 gene, results from a G to A substitution at nucleotide position 371. The cysteine at codon 124 is replaced by tyrosine, an amino acid with highly dissimilar properties. This amino acid position is conserved. In addition, this alteration is predicted to be deleterious by in silico analysis. Based on the available evidence, the clinical significance of this variant remains unclear.